The following is an entry in ClinVar:

NM_001365951.3(KIF1B):c.4451G>C (p.Arg1484Pro)

Gene: KIF1B (kinesin family member 1B; plus strand). Cytogenetic location: 1p36.22.
Variant type: single nucleotide variant.
Coding change: c.4451G>C on transcript NM_001365951.3 (MANE Select); coding-DNA position 4451, G replaced by C.
Protein change: p.Arg1484Pro; replaces arginine 1484 with proline.
Molecular consequence: missense variant.
Genome position (GRCh38, 1-based): chr1:10,365,184, G>C. VCF-style: chr1-10365184-G-C. GRCh37 (hg19) VCF-style: chr1-10425242-G-C.
Other names: c.4451G>C, p.Arg1484Pro (NM_001365952.1); c.4313G>C, p.Arg1438Pro (NM_015074.3); short protein forms R1438P, R1484P.
Identifiers: ClinVar variation 5023187 (VCV005023187.1).
Genomic context (GRCh38, chr1:10,365,184, plus strand): 5'-TCTTAGATACGTCAGTGGCATATGTGCGGGGAGAAGAGAACTTAGCAGGCTGGCGGCCCC[G>C]TGGAGACAGCCTCATCCTTGAGCACCAGTGGGAGCTGGAGAAGCTGGAGCTCCTACATGA-3'
Protein context (NP_001352880.1, residues 1474-1494): GEENLAGWRP[Arg1484Pro]GDSLILEHQW

ClinVar aggregate classification (germline): Uncertain significance (1 of 4 stars; one submission).

Submission:

Ambry Genetics
Classification: Uncertain significance. Last evaluated: 2026-07-09. Review status: criteria provided, single submitter. Criteria: Ambry Variant Classification Scheme 2023. Collection method: clinical testing. Allele origin: germline.
Comment: The p.R1438P variant (also known as c.4313G>C), located in coding exon 39 of the KIF1B gene, results from a G to C substitution at nucleotide position 4313. The arginine at codon 1438 is replaced by proline, an amino acid with dissimilar properties. This amino acid position is conserved. In addition, this alteration is predicted to be deleterious by in silico analysis. Based on the available evidence, the clinical significance of this variant remains unclear.